The following is an entry in ClinVar:

NM_002485.5(NBN):c.349T>A (p.Ser117Thr)

Gene: NBN (nibrin; minus strand). Cytogenetic location: 8q21.3.
Variant type: single nucleotide variant.
Coding change: c.349T>A on transcript NM_002485.5 (MANE Select); coding-DNA position 349, T replaced by A.
Protein change: p.Ser117Thr; replaces serine 117 with threonine.
Molecular consequence: missense variant.
Genome position (GRCh38, 1-based): chr8:89,980,865, A>T on the plus strand (T>A on the coding strand, the complement: NBN is on the minus strand). VCF-style: chr8-89980865-A-T. GRCh37 (hg19) VCF-style: chr8-90993093-A-T.
Other names: c.103T>A, p.Ser35Thr (NM_001024688.3); short protein forms S117T, S35T.
Identifiers: ClinVar variation 2855413 (VCV002855413.3), dbSNP rs1563579445, ClinGen allele CA371662109.

ClinVar aggregate classification (germline): Uncertain significance (1 of 4 stars; one submission).

Conditions:
Microcephaly, normal intelligence and immunodeficiency (NBS). Also called: IMMUNODEFICIENCY, MICROCEPHALY, AND CHROMOSOMAL INSTABILITY; SEEMANOVA SYNDROME II; BERLIN BREAKAGE SYNDROME; Nijmegen breakage syndrome; Microcephaly with normal intelligence immunodeficiency and lymphoreticular malignancies; Nonsyndromal microcephaly autosomal recessive with normal intelligence. Identifiers: Orphanet 647, MedGen C0398791, MONDO:0009623, OMIM 251260.

Submission:

Labcorp Genetics (formerly Invitae), Labcorp
Classification: Uncertain significance for Microcephaly, normal intelligence and immunodeficiency. Last evaluated: 2023-04-12. Review status: criteria provided, single submitter. Criteria: Invitae Variant Classification Sherloc (09022015). Collection method: clinical testing. Allele origin: germline.
Comment: In summary, the available evidence is currently insufficient to determine the role of this variant in disease. Therefore, it has been classified as a Variant of Uncertain Significance. Algorithms developed to predict the effect of sequence changes on RNA splicing suggest that this variant may disrupt the consensus splice site. An algorithm developed to predict the effect of missense changes on protein structure and function (PolyPhen-2) suggests that this variant is likely to be tolerated. This variant has not been reported in the literature in individuals affected with NBN-related conditions. This variant is not present in population databases (gnomAD no frequency). This sequence change replaces serine, which is neutral and polar, with threonine, which is neutral and polar, at codon 117 of the NBN protein (p.Ser117Thr).